The following is an entry in ClinVar:

ClinVar aggregate classification (germline): Pathogenic (1 of 4 stars; one submission).

Conditions:
Familial cancer of breast. Also called: hereditary breast carcinoma; BREAST CANCER, FAMILIAL; Hereditary breast cancer. Identifiers: Orphanet 227535, MedGen C0346153, MONDO:0016419, OMIM 114480. Disease mechanism: loss of function.
Fanconi anemia complementation group J. Also called: BRIP1-Related Fanconi Anemia. Identifiers: Orphanet 84, MedGen C1836860, MONDO:0012187, OMIM 609054.

Submission:

Labcorp Genetics (formerly Invitae), Labcorp
Classification: Pathogenic for Familial cancer of breast; Fanconi anemia complementation group J. Last evaluated: 2022-01-08. Review status: criteria provided, single submitter. Criteria: Invitae Variant Classification Sherloc (09022015). Collection method: clinical testing. Allele origin: germline.
Comment: This variant has not been reported in the literature in individuals affected with BRIP1-related conditions. This sequence change creates a premature translational stop signal (p.Ile202*) in the BRIP1 gene. It is expected to result in an absent or disrupted protein product. Loss-of-function variants in BRIP1 are known to be pathogenic (PMID: 16116423, 17033622, 21964575). This variant is not present in population databases (gnomAD no frequency). ClinVar contains an entry for this variant (Variation ID: 647786). Algorithms developed to predict the effect of sequence changes on RNA splicing suggest that this variant may create or strengthen a splice site. For these reasons, this variant has been classified as Pathogenic.

Literature cited by the submitters: PubMed 16116423; PubMed 17033622; PubMed 21964575.

NM_032043.3(BRIP1):c.604del (p.Lys201_Ile202insTer)

Gene: BRIP1 (BRCA1 interacting DNA helicase 1; minus strand). Cytogenetic location: 17q23.2.
Variant type: Deletion.
Coding change: c.604del on transcript NM_032043.3 (MANE Select); coding-DNA position 604, one base deleted (A; older notation c.604delA).
Protein change: p.Lys201_Ile202insTer.
Molecular consequence: nonsense.
Genome position (GRCh38, 1-based): chr17:61,847,124, T deleted on the plus strand (A on the coding strand, the reverse complement: BRIP1 is on the minus strand). VCF-style (leftmost placement, unchanged base first): chr17-61847123-AT-A. GRCh37 (hg19) VCF-style: chr17-59924484-AT-A.
Other names: c.604delA (NM_032043.2).
Identifiers: ClinVar variation 647786 (VCV000647786.9), dbSNP rs1603361577, ClinGen allele CA915950666.
Genomic context (GRCh38, chr17:61,847,123, plus strand): 5'-TTCCTTCTTTAAAACTGAACAATGGCATTAATACATACTTTCTGTGGCGAAAAGGAGTTT[AT>A]CTTTTCCAGTGGAGAGTTGAGTTTTACAGTCTTTCCTGAATCAACTTTTGCATCCAAATT-3'